The following is an entry in ClinVar:

NM_000252.3(MTM1):c.1260+15C>G

Gene: MTM1 (myotubularin 1; plus strand). Cytogenetic location: Xq28.
Variant type: single nucleotide variant.
Coding change: c.1260+15C>G on transcript NM_000252.3 (MANE Select); 15 bases into the intron after coding-DNA position 1260, C replaced by G.
Molecular consequence: intron variant.
Genome position (GRCh38, 1-based): chrX:150,658,042, C>G. VCF-style: chrX-150658042-C-G. GRCh37 (hg19) VCF-style: chrX-149826515-C-G.
Other names: c.1260+15C>G (NM_001376908.1, NM_001376906.1); c.1149+15C>G (NM_001376907.1).
Identifiers: ClinVar variation 2109465 (VCV002109465.4), dbSNP rs2522436350, ClinGen allele CA2580101652.
Genomic context (GRCh38, chrX:150,658,042, plus strand): 5'-ACTGGTACAAAAAGAATGGATAAGTTTTGGACATAAATTTGCATCTGTGAGTAAACAAAG[C>G]TAATTTCTAAAAATAGATCACTACCATTCAGGATTTTAAAACTAGTTGTTAAATTACATA-3'

ClinVar aggregate classification (germline): Pathogenic (1 of 4 stars; one submission).

Conditions:
Severe X-linked myotubular myopathy (CNMX). Also called: Myotubular myopathy, X-linked; MYOTUBULAR MYOPATHY 1; X-linked centronuclear myopathy. Identifiers: Orphanet 596, MedGen C0410203, MONDO:0010683, OMIM 310400.

Submission:

Labcorp Genetics (formerly Invitae), Labcorp
Classification: Pathogenic for Severe X-linked myotubular myopathy. Last evaluated: 2022-08-30. Review status: criteria provided, single submitter. Criteria: Invitae Variant Classification Sherloc (09022015). Collection method: clinical testing. Allele origin: germline.
Comment: For these reasons, this variant has been classified as Pathogenic. Algorithms developed to predict the effect of sequence changes on RNA splicing suggest that this variant may create or strengthen a splice site. This variant has been observed in individual(s) with clinical features of MTM1-related conditions (Invitae). In at least one individual the variant was observed to be de novo. This variant is not present in population databases (gnomAD no frequency). This sequence change falls in intron 11 of the MTM1 gene. It does not directly change the encoded amino acid sequence of the MTM1 protein.